The following is an entry in ClinVar:

ClinVar aggregate classification (germline): Uncertain significance. Review status: criteria provided, multiple submitters, no conflicts (2 of 4 stars). 2 submissions from 2 submitters: Uncertain significance (2). Last evaluated 2024-12-08.

Conditions:
Cardiovascular phenotype. Identifiers: MedGen CN230736.
RASopathy. Also called: rasopathies; Noonan spectrum disorder. Identifiers: Orphanet 536391, MedGen C5555857, MONDO:0021060.

Allele frequency attached by ClinVar (database versions not stated): gnomAD exomes below 0.00001.
gnomAD v4.1: 1 of 1,614,132 alleles (0.000062%); highest among the groups gnomAD compares: Non-Finnish European, 0.000085%; no homozygotes.

Submissions (2):

Ambry Genetics
Classification: Uncertain significance for Cardiovascular phenotype. Last evaluated: 2024-12-08. Review status: criteria provided, single submitter. Criteria: Ambry Variant Classification Scheme 2023. Collection method: clinical testing. Allele origin: germline.
Comment: The p.L533S variant (also known as c.1598T>C), located in coding exon 11 of the CBL gene, results from a T to C substitution at nucleotide position 1598. The leucine at codon 533 is replaced by serine, an amino acid with dissimilar properties. This amino acid position is conserved. In addition, this alteration is predicted to be deleterious by in silico analysis. Based on the available evidence, the clinical significance of this variant remains unclear.

Labcorp Genetics (formerly Invitae), Labcorp
Classification: Uncertain significance for RASopathy. Last evaluated: 2023-09-24. Review status: criteria provided, single submitter. Criteria: Invitae Variant Classification Sherloc (09022015). Collection method: clinical testing. Allele origin: germline.
Comment: In summary, the available evidence is currently insufficient to determine the role of this variant in disease. Therefore, it has been classified as a Variant of Uncertain Significance. This sequence change replaces leucine, which is neutral and non-polar, with serine, which is neutral and polar, at codon 533 of the CBL protein (p.Leu533Ser). This variant is not present in population databases (gnomAD no frequency). This variant has not been reported in the literature in individuals affected with CBL-related conditions. Advanced modeling of protein sequence and biophysical properties (such as structural, functional, and spatial information, amino acid conservation, physicochemical variation, residue mobility, and thermodynamic stability) has been performed at Invitae for this missense variant, however the output from this modeling did not meet the statistical confidence thresholds required to predict the impact of this variant on CBL protein function.

NM_005188.4(CBL):c.1598T>C (p.Leu533Ser)

Gene: CBL (Cbl proto-oncogene; plus strand). Cytogenetic location: 11q23.3.
Variant type: single nucleotide variant.
Coding change: c.1598T>C on transcript NM_005188.4 (MANE Select); coding-DNA position 1598, T replaced by C.
Protein change: p.Leu533Ser; replaces leucine 533 with serine.
Molecular consequence: missense variant.
Genome position (GRCh38, 1-based): chr11:119,285,223, T>C. VCF-style: chr11-119285223-T-C. GRCh37 (hg19) VCF-style: chr11-119155933-T-C.
Other names: c.1598T>C (NM_005188.2); short protein forms L533S.
Identifiers: ClinVar variation 2810747 (VCV002810747.4), dbSNP rs2496952222, ClinGen allele CA382919035.
Genomic context (GRCh38, chr11:119,285,223, plus strand): 5'-GATTTGCTTTCACCCTGCTTCCACAGGCTGCTTCTGGCTCCCTTCATAAAGACAAACCAT[T>C]GCCAGTACCTCCCACACTTCGAGATCTTCCACCACCACCGCCTCCAGACCGGCCATATTC-3'
Protein context (NP_005179.2, residues 523-543): ASGSLHKDKP[Leu533Ser]PVPPTLRDLP